The following is an entry in ClinVar:

ClinVar aggregate classification (germline): Uncertain significance (1 of 4 stars; one submission).

Submission:

CeGaT Center for Human Genetics Tuebingen
Classification: Uncertain significance. Last evaluated: 2023-10-01. Review status: criteria provided, single submitter. Criteria: CeGaT Center For Human Genetics Tuebingen Variant Classification Criteria Version 2. Collection method: clinical testing. Allele origin: germline. Affected: yes. Observed: 1 variant allele.
Comment: DYNC1H1: PM2, PP2, PP3, BS2

NM_001376.5(DYNC1H1):c.4127G>C (p.Arg1376Pro)

Gene: DYNC1H1 (dynein cytoplasmic 1 heavy chain 1; plus strand). Cytogenetic location: 14q32.31.
Variant type: single nucleotide variant.
Coding change: c.4127G>C on transcript NM_001376.5 (MANE Select); coding-DNA position 4127, G replaced by C.
Protein change: p.Arg1376Pro; replaces arginine 1376 with proline.
Molecular consequence: missense variant.
Genome position (GRCh38, 1-based): chr14:102,001,006, G>C. VCF-style: chr14-102001006-G-C. GRCh37 (hg19) VCF-style: chr14-102467343-G-C.
Other names: short protein forms R1376P.
Identifiers: ClinVar variation 2644561 (VCV002644561.24), dbSNP rs778731013, ClinGen allele CA391039711.